The following is an entry in ClinVar:

ClinVar aggregate classification (germline): Uncertain significance. Review status: criteria provided, multiple submitters, no conflicts (2 of 4 stars). 2 submissions from 2 submitters: Uncertain significance (2). Last evaluated 2025-08-07.

Conditions:
Inborn genetic diseases. Identifiers: MedGen C0950123, MeSH D030342.
Postaxial polydactyly-anterior pituitary anomalies-facial dysmorphism syndrome. Also called: Culler-Jones syndrome. Identifiers: Orphanet 420584, MedGen C4014479, MONDO:0014369, OMIM 615849.
Holoprosencephaly 9 (HPE9). Also called: HOLOPROSENCEPHALY WITH MICROPHTHALMIA AND FIRST BRANCHIAL ARCH ANOMALIES; PITUITARY ANOMALIES WITH HOLOPROSENCEPHALY-LIKE FEATURES. Identifiers: Orphanet 2162, MedGen C1835819, MONDO:0012563, OMIM 610829.

Allele frequency attached by ClinVar (database versions not stated): gnomAD exomes 0.00001; gnomAD 0.00004; TOPMed 0.00014.
gnomAD v4.1: 14 of 1,613,898 alleles (0.00087%); highest among the groups gnomAD compares: Admixed American, 0.013%; no homozygotes.

Submissions (2):

Labcorp Genetics (formerly Invitae), Labcorp
Classification: Uncertain significance for Postaxial polydactyly-anterior pituitary anomalies-facial dysmorphism syndrome; Holoprosencephaly 9. Last evaluated: 2025-08-07. Review status: criteria provided, single submitter. Criteria: Invitae Variant Classification Sherloc (09022015). Collection method: clinical testing. Allele origin: germline.
Comment: This sequence change replaces histidine, which is basic and polar, with aspartic acid, which is acidic and polar, at codon 1521 of the GLI2 protein (p.His1521Asp). This variant is present in population databases (rs199843410, gnomAD 0.003%). This variant has not been reported in the literature in individuals affected with GLI2-related conditions. ClinVar contains an entry for this variant (Variation ID: 1364064). Invitae Evidence Modeling of protein sequence and biophysical properties (such as structural, functional, and spatial information, amino acid conservation, physicochemical variation, residue mobility, and thermodynamic stability) indicates that this missense variant is expected to disrupt GLI2 protein function with a positive predictive value of 80%. In summary, the available evidence is currently insufficient to determine the role of this variant in disease. Therefore, it has been classified as a Variant of Uncertain Significance.

Ambry Genetics
Classification: Uncertain significance for Inborn genetic diseases. Last evaluated: 2024-09-11. Review status: criteria provided, single submitter. Criteria: Ambry Variant Classification Scheme 2023. Collection method: clinical testing. Allele origin: germline.

NM_001374353.1(GLI2):c.4510C>G (p.His1504Asp)

Gene: GLI2 (GLI family zinc finger 2; plus strand). Cytogenetic location: 2q14.2.
Variant type: single nucleotide variant.
Coding change: c.4510C>G on transcript NM_001374353.1 (MANE Select); coding-DNA position 4510, C replaced by G.
Protein change: p.His1504Asp; replaces histidine 1504 with aspartic acid.
Molecular consequence: missense variant.
Genome position (GRCh38, 1-based): chr2:120,990,475, C>G. VCF-style: chr2-120990475-C-G. GRCh37 (hg19) VCF-style: chr2-121748051-C-G.
Other names: c.4561C>G (NM_005270.4); c.4561C>G, p.His1521Asp (NM_001371271.1, NM_005270.5); c.4135C>G, p.His1379Asp (NM_001374354.1); short protein forms H1379D, H1521D, H1504D.
Identifiers: ClinVar variation 1364064 (VCV001364064.9), dbSNP rs199843410, ClinGen allele CA1852655.